The following is an entry in ClinVar:

ClinVar aggregate classification (germline): Uncertain significance (1 of 4 stars; one submission).

Conditions:
Familial cold autoinflammatory syndrome 2 (FCAS2). Identifiers: Orphanet 247868, MedGen C2673198, MONDO:0012724, OMIM 611762.

Allele frequency attached by ClinVar (database versions not stated): gnomAD exomes below 0.00001.
gnomAD v4.1: 1 of 1,613,984 alleles (0.000062%); highest among the groups gnomAD compares: Admixed American, 0.0017%; no homozygotes.

Submission:

Labcorp Genetics (formerly Invitae), Labcorp
Classification: Uncertain significance for Familial cold autoinflammatory syndrome 2. Last evaluated: 2022-08-23. Review status: criteria provided, single submitter. Criteria: Invitae Variant Classification Sherloc (09022015). Collection method: clinical testing. Allele origin: germline.
Comment: This sequence change replaces aspartic acid, which is acidic and polar, with glutamic acid, which is acidic and polar, at codon 890 of the NLRP12 protein (p.Asp890Glu). This variant is not present in population databases (gnomAD no frequency). In summary, the available evidence is currently insufficient to determine the role of this variant in disease. Therefore, it has been classified as a Variant of Uncertain Significance. Algorithms developed to predict the effect of missense changes on protein structure and function are either unavailable or do not agree on the potential impact of this missense change (SIFT: "Deleterious"; PolyPhen-2: "Probably Damaging"; Align-GVGD: "Class C0"). ClinVar contains an entry for this variant (Variation ID: 1355988). This variant has not been reported in the literature in individuals affected with NLRP12-related conditions.

NM_144687.4(NLRP12):c.2670C>G (p.Asp890Glu)

Gene: NLRP12 (NLR family pyrin domain containing 12; minus strand). Cytogenetic location: 19q13.42.
Variant type: single nucleotide variant.
Coding change: c.2670C>G on transcript NM_144687.4 (MANE Select); coding-DNA position 2670, C replaced by G.
Protein change: p.Asp890Glu; replaces aspartic acid 890 with glutamic acid.
Molecular consequence: missense variant.
Genome position (GRCh38, 1-based): chr19:53,801,313, G>C on the plus strand (C>G on the coding strand, the complement: NLRP12 is on the minus strand). VCF-style: chr19-53801313-G-C. GRCh37 (hg19) VCF-style: chr19-54304567-G-C.
Other names: c.2673C>G, p.Asp891Glu (NM_001277126.2); c.2670C>G, p.Asp890Glu (NM_001277129.1); short protein forms D890E, D891E.
Identifiers: ClinVar variation 1355988 (VCV001355988.8), dbSNP rs2122563335, ClinGen allele CA407408408.
Genomic context (GRCh38, chr19:53,801,313, plus strand): 5'-ATGCCTGAGGCCCTCACACAGCAGCAGCACCCCGAGGTCCCCCAGCTCATTCAGGCTCAG[G>C]TCCAGCTCTCTCAGGCTCTGGTTCACACTGAGAGTTGAGGCCAGCTCGTCACAGGCAGCA-3'
Protein context (NP_653288.1, residues 880-900): LSVNQSLREL[Asp890Glu]LSLNELGDLG